The following is an entry in ClinVar:

ClinVar aggregate classification (germline): Uncertain significance (1 of 4 stars; one submission).

Conditions:
Kabuki syndrome. Also called: Kabuki make-up syndrome; NIIKAWA-KUROKI SYNDROME. Identifiers: Orphanet 2322, MedGen C0796004, MONDO:0016512.

Submission:

Labcorp Genetics (formerly Invitae), Labcorp
Classification: Uncertain significance for Kabuki syndrome. Last evaluated: 2022-10-17. Review status: criteria provided, single submitter. Criteria: Invitae Variant Classification Sherloc (09022015). Collection method: clinical testing. Allele origin: germline.
Comment: This variant is not present in population databases (gnomAD no frequency). In summary, the available evidence is currently insufficient to determine the role of this variant in disease. Therefore, it has been classified as a Variant of Uncertain Significance. Advanced modeling of protein sequence and biophysical properties (such as structural, functional, and spatial information, amino acid conservation, physicochemical variation, residue mobility, and thermodynamic stability) performed at Invitae indicates that this missense variant is not expected to disrupt KMT2D protein function. This variant has not been reported in the literature in individuals affected with KMT2D-related conditions. This sequence change replaces aspartic acid, which is acidic and polar, with tyrosine, which is neutral and polar, at codon 1274 of the KMT2D protein (p.Asp1274Tyr).

NM_003482.4(KMT2D):c.3820G>T (p.Asp1274Tyr)

Genes: KMT2D (lysine methyltransferase 2D; minus strand), LOC126861520 (CDK7 strongly-dependent group 2 enhancer GRCh37_chr12:49442744-49443943; plus strand). Cytogenetic location: 12q13.12.
Variant type: single nucleotide variant.
Coding change: c.3820G>T on transcript NM_003482.4 (MANE Select); coding-DNA position 3820, G replaced by T.
Protein change: p.Asp1274Tyr; replaces aspartic acid 1274 with tyrosine.
Molecular consequence: missense variant.
Genome position (GRCh38, 1-based): chr12:49,049,768, C>A on the plus strand (G>T on the coding strand, the complement: KMT2D is on the minus strand). VCF-style: chr12-49049768-C-A. GRCh37 (hg19) VCF-style: chr12-49443551-C-A.
Other names: short protein forms D1274Y.
Identifiers: ClinVar variation 1715324 (VCV001715324.6), dbSNP rs759073506, ClinGen allele CA384653130.
Genomic context (GRCh38, chr12:49,049,768, plus strand): 5'-AGCTGCGCCGCCGCCCCTTCTCCCCCTCAGCTTTGCCTCCGCTGATAGCTGTCCCAGCAT[C>A]GCACAATAGTGAGTCATCAGTCTCTGGCAGTGAGTCAGTACAGAGCCGTAGGGAGCCCTC-3'
Protein context (NP_003473.3, residues 1264-1284): LPETDDSLLC[Asp1274Tyr]AGTAISGGKA